The following is an entry in ClinVar:

ClinVar aggregate classification (germline): Uncertain significance. Review status: criteria provided, multiple submitters, no conflicts (2 of 4 stars). 2 submissions from 2 submitters: Uncertain significance (2). Last evaluated 2024-04-15.

Conditions:
DNA ligase IV deficiency. Identifiers: Orphanet 99812, MedGen C1847827, MONDO:0011686, OMIM 606593.

Allele frequency attached by ClinVar (database versions not stated): TOPMed below 0.00001.
gnomAD v4.1: 15 of 1,609,690 alleles (0.00093%); highest among the groups gnomAD compares: Non-Finnish European, 0.0013%; no homozygotes.

Submissions (2):

Labcorp Genetics (formerly Invitae), Labcorp
Classification: Uncertain significance for DNA ligase IV deficiency. Last evaluated: 2024-04-15. Review status: criteria provided, single submitter. Criteria: Invitae Variant Classification Sherloc (09022015). Collection method: clinical testing. Allele origin: germline.
Comment: This sequence change replaces glutamic acid, which is acidic and polar, with lysine, which is basic and polar, at codon 95 of the LIG4 protein (p.Glu95Lys). This variant is not present in population databases (gnomAD no frequency). This variant has not been reported in the literature in individuals affected with LIG4-related conditions. ClinVar contains an entry for this variant (Variation ID: 1063949). Advanced modeling of protein sequence and biophysical properties (such as structural, functional, and spatial information, amino acid conservation, physicochemical variation, residue mobility, and thermodynamic stability) performed at Invitae indicates that this missense variant is not expected to disrupt LIG4 protein function with a negative predictive value of 95%. In summary, the available evidence is currently insufficient to determine the role of this variant in disease. Therefore, it has been classified as a Variant of Uncertain Significance.

GeneDx
Classification: Uncertain significance. Last evaluated: 2024-03-11. Review status: criteria provided, single submitter. Criteria: GeneDx Variant Classification Process June 2021. Collection method: clinical testing. Allele origin: germline. Affected: yes.
Comment: Not observed at significant frequency in large population cohorts (gnomAD); In silico analysis supports that this missense variant does not alter protein structure/function; Has not been previously published as pathogenic or benign to our knowledge

NM_206937.2(LIG4):c.283G>A (p.Glu95Lys)

Gene: LIG4 (DNA ligase 4; minus strand). Cytogenetic location: 13q33.3.
Variant type: single nucleotide variant.
Coding change: c.283G>A on transcript NM_206937.2 (MANE Select); coding-DNA position 283, G replaced by A.
Protein change: p.Glu95Lys; replaces glutamic acid 95 with lysine.
Molecular consequence: missense variant.
Genome position (GRCh38, 1-based): chr13:108,210,986, C>T on the plus strand (G>A on the coding strand, the complement: LIG4 is on the minus strand). VCF-style: chr13-108210986-C-T. GRCh37 (hg19) VCF-style: chr13-108863334-C-T.
Other names: c.283G>A, p.Glu95Lys (NM_001098268.2, NM_001352598.2, NM_001352599.2 and 6 more transcripts); c.82G>A, p.Glu28Lys (NM_001330595.2); c.319G>A, p.Glu107Lys (NM_001352604.2); short protein forms E107K, E28K, E95K.
Identifiers: ClinVar variation 1063949 (VCV001063949.9), dbSNP rs1878597472, ClinGen allele CA388623747.